The following is an entry in ClinVar:

NM_000384.3(APOB):c.10696del (p.Ser3566fs)

Gene: APOB (apolipoprotein B; minus strand). Cytogenetic location: 2p24.1.
Variant type: Deletion.
Coding change: c.10696del on transcript NM_000384.3 (MANE Select); coding-DNA position 10696, one base deleted (A; older notation c.10696delA).
Protein change: p.Ser3566fs; shifts the reading frame from serine 3566.
Molecular consequence: frameshift variant.
Genome position (GRCh38, 1-based): chr2:21,006,172, T deleted on the plus strand (A on the coding strand, the reverse complement: APOB is on the minus strand). VCF-style (leftmost placement, unchanged base first): chr2-21006171-CT-C. GRCh37 (hg19) VCF-style: chr2-21229043-CT-C.
Other names: short protein forms S3566fs.
Identifiers: ClinVar variation 5006201 (VCV005006201.2).
Genomic context (GRCh38, chr2:21,006,171, plus strand): 5'-TTGCTTGTATGTTCTCCGTTGGTGAAAAAGAGGCCCTCTAGCTGTAAGTGGTTTTTCGTA[CT>C]GTGCTCCCAGAGGGAATATATGCGTTGGAGTGTGGCTTCTCCAGCAAAATTTTCTTTTAC-3'

ClinVar aggregate classification (germline): Likely pathogenic (1 of 4 stars; one submission).

Conditions:
Familial hypobetalipoproteinemia 1. Also called: Hypobetalipoproteinemia, normotriglyceridemic; Acanthocytosis with hypobetalipoproteinemia; APOB-Related Familial Hypobetalipoproteinemia. Identifiers: MedGen C4551990, MONDO:0014252, OMIM 615558.
Hypercholesterolemia, autosomal dominant, type B (FHCL2). Also called: APOLIPOPROTEIN B-100, FAMILIAL DEFECTIVE; APOLIPOPROTEIN B-100, FAMILIAL LIGAND-DEFECTIVE; Familial Hypercholesterolemia Type B; Hyperlipoproteinemia Type IIb; HYPERCHOLESTEROLEMIA, FAMILIAL, DUE TO LIGAND-DEFECTIVE APOLIPOPROTEIN B; APOB-Related Familial Hypercholesterolemia, Autosomal Dominant. Identifiers: MedGen C1704417, MONDO:0007751, OMIM 144010.

Submission:

Juno Genomics, Hangzhou Juno Genomics, Inc
Classification: Likely pathogenic for Hypercholesterolemia, autosomal dominant, type B; Familial hypobetalipoproteinemia 1. Review status: criteria provided, single submitter. Criteria: ACMG Guidelines, 2015. Collection method: clinical testing. Allele origin: germline.
Comment: Null variant in a gene where loss of function (LOF) is a known mechanism of disease.;Absent from controls (or at extremely low frequency if recessive) in Genome Aggregation Database.